The following is an entry in ClinVar:

ClinVar aggregate classification (germline): Uncertain significance (1 of 4 stars; one submission).

Allele frequency attached by ClinVar (database versions not stated): gnomAD exomes below 0.00001; ExAC 0.00001.
gnomAD v4.1: 2 of 1,590,038 alleles (0.00013%); highest among the groups gnomAD compares: Non-Finnish European, 0.00017%; no homozygotes.

Submission:

Labcorp Genetics (formerly Invitae), Labcorp
Classification: Uncertain significance. Last evaluated: 2024-02-24. Review status: criteria provided, single submitter. Criteria: Invitae Variant Classification Sherloc (09022015). Collection method: clinical testing. Allele origin: germline.
Comment: This sequence change replaces isoleucine, which is neutral and non-polar, with threonine, which is neutral and polar, at codon 170 of the IMPG1 protein (p.Ile170Thr). This variant is present in population databases (rs766521707, gnomAD 0.0009%). This variant has not been reported in the literature in individuals affected with IMPG1-related conditions. ClinVar contains an entry for this variant (Variation ID: 1994093). Algorithms developed to predict the effect of missense changes on protein structure and function output the following: SIFT: "Not Available"; PolyPhen-2: "Benign"; Align-GVGD: "Not Available". The threonine amino acid residue is found in multiple mammalian species, which suggests that this missense change does not adversely affect protein function. In summary, the available evidence is currently insufficient to determine the role of this variant in disease. Therefore, it has been classified as a Variant of Uncertain Significance.

NM_001563.4(IMPG1):c.509T>C (p.Ile170Thr)

Gene: IMPG1 (interphotoreceptor matrix proteoglycan 1; minus strand). Cytogenetic location: 6q14.1.
Variant type: single nucleotide variant.
Coding change: c.509T>C on transcript NM_001563.4 (MANE Select); coding-DNA position 509, T replaced by C.
Protein change: p.Ile170Thr; replaces isoleucine 170 with threonine.
Molecular consequence: missense variant.
Genome position (GRCh38, 1-based): chr6:76,025,247, A>G on the plus strand (T>C on the coding strand, the complement: IMPG1 is on the minus strand). VCF-style: chr6-76025247-A-G. GRCh37 (hg19) VCF-style: chr6-76734964-A-G.
Other names: c.275T>C, p.Ile92Thr (NM_001282368.2); short protein forms I92T, I170T.
Identifiers: ClinVar variation 1994093 (VCV001994093.4), dbSNP rs766521707, ClinGen allele CA3898466.
Genomic context (GRCh38, chr6:76,025,247, plus strand): 5'-AGCTTACCTGTTGAAATGACAATGGTTTCACCAGGCTCTCCCAATGTCTTCTCTGCAGAT[A>G]TTTCATCTTTTCTATTAGTACAATAGAAAAGAAGGAAGAGGTGGTGAAAGAGAACTTGAT-3'
Protein context (NP_001554.2, residues 160-180): QRSFPDRKDE[Ile170Thr]SAEKTLGEPG